The following is an entry in ClinVar:

ClinVar aggregate classification (germline): Likely pathogenic (1 of 4 stars; one submission).

Conditions:
Autosomal recessive limb-girdle muscular dystrophy type 2J (LGMDR10). Also called: Limb-girdle muscular dystrophy, type 2J; MUSCULAR DYSTROPHY, LIMB-GIRDLE, AUTOSOMAL RECESSIVE 10. Identifiers: Orphanet 140922, MedGen C1837342, MONDO:0012127, OMIM 608807.
Dilated cardiomyopathy 1G (CMD1G). Identifiers: Orphanet 154, MedGen C1858763, MONDO:0011400, OMIM 604145.

Submission:

Labcorp Genetics (formerly Invitae), Labcorp
Classification: Likely pathogenic for Dilated cardiomyopathy 1G; Autosomal recessive limb-girdle muscular dystrophy type 2J. Last evaluated: 2025-04-24. Review status: criteria provided, single submitter. Criteria: Invitae Variant Classification Sherloc (09022015). Collection method: clinical testing. Allele origin: germline.
Comment: This sequence change creates a premature translational stop signal (p.Lys14251Asnfs*4) in the TTN gene. While this is not anticipated to result in nonsense mediated decay, it is expected to create a truncated TTN protein. This variant is not present in population databases (gnomAD no frequency). This variant has not been reported in the literature in individuals affected with TTN-related conditions. This variant is located in the I band of TTN (PMID: 25589632). Truncating variants in this region have been reported in individuals affected with autosomal recessive centronuclear myopathy (PMID: 23975875, internal data). Truncating variants in this region have also been identified in individuals affected with autosomal dominant dilated cardiomyopathy and/or cardio-related conditions (PMID: 27869827, 32964742, internal data). In summary, the currently available evidence indicates that the variant is pathogenic, but additional data are needed to prove that conclusively. Therefore, this variant has been classified as Likely Pathogenic.

Literature cited by the submitters: PubMed 25589632; PubMed 23975875; PubMed 27869827; PubMed 32964742.

NM_001267550.2(TTN):c.42753del (p.Lys14251fs)

Gene: TTN (titin; minus strand). Cytogenetic location: 2q31.2.
Variant type: Deletion.
Coding change: c.42753del on transcript NM_001267550.2 (MANE Select); coding-DNA position 42753, one base deleted (G; older notation c.42753delG).
Protein change: p.Lys14251fs; shifts the reading frame from lysine 14251.
Molecular consequence: frameshift variant.
Genome position (GRCh38, 1-based): chr2:178,633,606, C deleted on the plus strand (G on the coding strand, the reverse complement: TTN is on the minus strand). VCF-style (leftmost placement, unchanged base first): chr2-178633605-AC-A. GRCh37 (hg19) VCF-style: chr2-179498332-AC-A.
Other names: c.37830del, p.Lys12610fs (NM_001256850.1); c.15558del, p.Lys5186fs (NM_003319.4); c.35049del, p.Lys11683fs (NM_133378.4); c.15933del, p.Lys5311fs (NM_133432.3); c.16134del, p.Lys5378fs (NM_133437.4); short protein forms K5311fs, K14251fs, K5186fs, K5378fs, K11683fs, K12610fs.
Identifiers: ClinVar variation 4784832 (VCV004784832.1).